The following is an entry in ClinVar:

ClinVar aggregate classification (germline): Uncertain significance (1 of 4 stars; one submission).

Conditions:
Ataxia-telangiectasia syndrome (AT). Also called: Cerebello-oculocutaneous telangiectasia; Immunodeficiency with ataxia telangiectasia; LOUIS-BAR SYNDROME; ATAXIA-TELANGIECTASIA, COMPLEMENTATION GROUP A; ATAXIA-TELANGIECTASIA, FRESNO VARIANT; Ataxia-telangiectasia, complementation group D. Identifiers: Orphanet 100, MedGen C0004135, MONDO:0008840, OMIM 208900.

Allele frequency attached by ClinVar (database versions not stated): gnomAD exomes below 0.00001.
gnomAD v4.1: 1 of 1,613,202 alleles (0.000062%); highest among the groups gnomAD compares: Non-Finnish European, 0.000085%; no homozygotes.

Submission:

Labcorp Genetics (formerly Invitae), Labcorp
Classification: Uncertain significance for Ataxia-telangiectasia syndrome. Last evaluated: 2025-08-30. Review status: criteria provided, single submitter. Criteria: Invitae Variant Classification Sherloc (09022015). Collection method: clinical testing. Allele origin: germline.
Comment: This sequence change replaces tyrosine, which is neutral and polar, with histidine, which is basic and polar, at codon 1915 of the ATM protein (p.Tyr1915His). This variant is not present in population databases (gnomAD no frequency). This variant has not been reported in the literature in individuals affected with ATM-related conditions. ClinVar contains an entry for this variant (Variation ID: 1383330). Invitae Evidence Modeling of protein sequence and biophysical properties (such as structural, functional, and spatial information, amino acid conservation, physicochemical variation, residue mobility, and thermodynamic stability) indicates that this missense variant is not expected to disrupt ATM protein function with a negative predictive value of 95%. In summary, the available evidence is currently insufficient to determine the role of this variant in disease. Therefore, it has been classified as a Variant of Uncertain Significance.

NM_000051.4(ATM):c.5743T>C (p.Tyr1915His)

Gene: ATM (ATM serine/threonine kinase; plus strand). Cytogenetic location: 11q22.3.
Variant type: single nucleotide variant.
Coding change: c.5743T>C on transcript NM_000051.4 (MANE Select); coding-DNA position 5743, T replaced by C.
Protein change: p.Tyr1915His; replaces tyrosine 1915 with histidine.
Molecular consequence: missense variant.
Genome position (GRCh38, 1-based): chr11:108,307,965, T>C. VCF-style: chr11-108307965-T-C. GRCh37 (hg19) VCF-style: chr11-108178692-T-C.
Other names: c.5743T>C, p.Tyr1915His (NM_001351834.2); short protein forms Y1915H.
Identifiers: ClinVar variation 1383330 (VCV001383330.8), dbSNP rs2135977706, ClinGen allele CA382547983.